The following is an entry in ClinVar:

NM_080916.3(DGUOK):c.127A>C (p.Ile43Leu)

Genes: DGUOK (deoxyguanosine kinase; plus strand), LOC129934096 (ATAC-STARR-seq lymphoblastoid active region 16036; plus strand). Cytogenetic location: 2p13.1.
Variant type: single nucleotide variant.
Coding change: c.127A>C on transcript NM_080916.3 (MANE Select); coding-DNA position 127, A replaced by C.
Protein change: p.Ile43Leu; replaces isoleucine 43 with leucine.
Molecular consequence: missense variant. On other transcripts: 5 prime UTR variant (4), non-coding transcript variant (6).
Genome position (GRCh38, 1-based): chr2:73,927,037, A>C. VCF-style: chr2-73927037-A-C. GRCh37 (hg19) VCF-style: chr2-74154164-A-C.
Other names: c.127A>C, p.Ile43Leu (NM_001318859.2, NM_080918.3); c.-52A>C (NM_001318860.2, NM_001318863.2); c.-138A>C (NM_001318861.2, NM_001318862.2); short protein forms I43L.
Identifiers: ClinVar variation 4996781 (VCV004996781.1).

ClinVar aggregate classification (germline): Uncertain significance (1 of 4 stars; one submission).

Conditions:
DGUOK-related disorder. Also called: DGUOK-related condition.

gnomAD v4.1: 8 of 1,609,496 alleles (0.0005%); highest among the groups gnomAD compares: South Asian, 0.0088%; no homozygotes.

Submission:

PreventionGenetics, part of Exact Sciences
Classification: Uncertain significance for DGUOK-related condition. Last evaluated: 2025-05-28. Review status: criteria provided, single submitter. Criteria: ACMG Guidelines, 2015. Collection method: clinical testing. Allele origin: germline.
Comment: The DGUOK c.127A>C variant is predicted to result in the amino acid substitution p.Ile43Leu. To our knowledge, this variant has not been reported in the literature. A different variant impacting the same amino acid (c.128T>C (p.Ile43Thr))was reported in the compound heterozygous state in an individual with mitochondrial DNA depletion syndrome (Fang et al. 2017. PubMed ID: 29137425). This variant is reported in 0.0033% of alleles in individuals of South Asian descent in gnomAD. At this time, the clinical significance of this variant is uncertain due to the absence of conclusive functional and genetic evidence.